The following is an entry in ClinVar:

NM_000214.3(JAG1):c.1964_1965del (p.Ile654_Cys655insTer)

Gene: JAG1 (jagged canonical Notch ligand 1; minus strand). Cytogenetic location: 20p12.2.
Variant type: Deletion.
Coding change: c.1964_1965del on transcript NM_000214.3 (MANE Select); coding-DNA positions 1964 to 1965, 2 bases deleted (GT; older notation c.1964_1965delGT).
Protein change: p.Ile654_Cys655insTer.
Molecular consequence: nonsense.
Genome position (GRCh38, 1-based): chr20:10,646,005-10,646,006, AC deleted on the plus strand (GT on the coding strand, the reverse complement: JAG1 is on the minus strand); deleting any 2 consecutive bases within chr20:10,646,005-10,646,007 gives the same sequence; the c. name uses the placement nearest the transcript's 3' end. VCF-style (leftmost placement, unchanged base first): chr20-10646004-TAC-T. GRCh37 (hg19) VCF-style: chr20-10626652-TAC-T.
Identifiers: ClinVar variation 4726957 (VCV004726957.1).

ClinVar aggregate classification (germline): Pathogenic (1 of 4 stars; one submission).

Conditions:
Alagille syndrome due to a JAG1 point mutation. Also called: JAG1-Related Alagille Syndrome; HEPATIC DUCTULAR HYPOPLASIA, SYNDROMATIC; Alagille Syndrome 1. Identifiers: Orphanet 261619, Orphanet 52, MedGen C1956125, MONDO:0016862, OMIM 118450.

Submission:

Labcorp Genetics (formerly Invitae), Labcorp
Classification: Pathogenic for Alagille syndrome due to a JAG1 point mutation. Last evaluated: 2025-09-10. Review status: criteria provided, single submitter. Criteria: Invitae Variant Classification Sherloc (09022015). Collection method: clinical testing. Allele origin: germline.
Comment: This sequence change creates a premature translational stop signal (p.Cys655*) in the JAG1 gene. It is expected to result in an absent or disrupted protein product. Loss-of-function variants in JAG1 are known to be pathogenic (PMID: 11180599). This variant is not present in population databases (gnomAD no frequency). This variant has not been reported in the literature in individuals affected with JAG1-related conditions. For these reasons, this variant has been classified as Pathogenic.

Literature cited by the submitters: PubMed 11180599.